The following is an entry in ClinVar:

NM_000334.4(SCN4A):c.1487C>A (p.Ala496Glu)

Gene: SCN4A (sodium voltage-gated channel alpha subunit 4; minus strand). Cytogenetic location: 17q23.3.
Variant type: single nucleotide variant.
Coding change: c.1487C>A on transcript NM_000334.4 (MANE Select); coding-DNA position 1487, C replaced by A.
Protein change: p.Ala496Glu; replaces alanine 496 with glutamic acid.
Molecular consequence: missense variant.
Genome position (GRCh38, 1-based): chr17:63,963,791, G>T on the plus strand (C>A on the coding strand, the complement: SCN4A is on the minus strand). VCF-style: chr17-63963791-G-T. GRCh37 (hg19) VCF-style: chr17-62041151-G-T.
Other names: short protein forms A496E.
Identifiers: ClinVar variation 5039670 (VCV005039670.1).
Genomic context (GRCh38, chr17:63,963,791, plus strand): 5'-TCCCCTTGCGATGTGTCCAGGCTGCCATTGCAGTCTTTGCCATGGGCTGGGTCCCCATCT[G>T]CCTCCCCACCTTCCAGAGCTTGGGCGGCCTTGGCCTGTAGACCAGCAAGAGTGACTGGCA-3'
Protein context (NP_000325.4, residues 486-506): KAAQALEGGE[Ala496Glu]DGDPAHGKDC

ClinVar aggregate classification (germline): Uncertain significance (1 of 4 stars; one submission).

gnomAD v4.1: 3 of 1,606,268 alleles (0.00019%); highest among the groups gnomAD compares: Non-Finnish European, 0.00025%; no homozygotes.

Submission:

CeGaT Center for Human Genetics Tuebingen
Classification: Uncertain significance. Last evaluated: 2026-09-01. Review status: criteria provided, single submitter. Criteria: CeGaT Center For Human Genetics Tuebingen Variant Classification Criteria Version 2. Collection method: clinical testing. Allele origin: germline. Affected: yes. Observed: 1 variant allele.
Comment: SCN4A: PM2